The following is an entry in ClinVar:

ClinVar aggregate classification (germline): Uncertain significance (1 of 4 stars; one submission).

Conditions:
Cardiovascular phenotype. Identifiers: MedGen CN230736.

Submission:

Ambry Genetics
Classification: Uncertain significance for Cardiovascular phenotype. Last evaluated: 2025-05-26. Review status: criteria provided, single submitter. Criteria: Ambry Variant Classification Scheme 2023. Collection method: clinical testing. Allele origin: germline.
Comment: The p.S793G variant (also known as c.2377A>G), located in coding exon 21 of the RYR2 gene, results from an A to G substitution at nucleotide position 2377. The serine at codon 793 is replaced by glycine, an amino acid with similar properties. This amino acid position is highly conserved in available vertebrate species. In addition, the in silico prediction for this alteration is inconclusive. Based on the available evidence, the clinical significance of this variant remains unclear.

NM_001035.3(RYR2):c.2377A>G (p.Ser793Gly)

Gene: RYR2 (ryanodine receptor 2; plus strand). Cytogenetic location: 1q43.
Variant type: single nucleotide variant.
Coding change: c.2377A>G on transcript NM_001035.3 (MANE Select); coding-DNA position 2377, A replaced by G.
Protein change: p.Ser793Gly; replaces serine 793 with glycine.
Molecular consequence: missense variant.
Genome position (GRCh38, 1-based): chr1:237,500,884, A>G. VCF-style: chr1-237500884-A-G. GRCh37 (hg19) VCF-style: chr1-237664184-A-G.
Other names: short protein forms S793G.
Identifiers: ClinVar variation 3949072 (VCV003949072.1).